The following is an entry in ClinVar:

ClinVar aggregate classification (germline): Uncertain significance. Review status: criteria provided, multiple submitters, no conflicts (2 of 4 stars). 4 submissions from 4 submitters: Uncertain significance (4). Last evaluated 2025-09-04.

Conditions:
IMPG2-related disorder. Also called: IMPG2-related condition.
Inborn genetic diseases. Identifiers: MedGen C0950123, MeSH D030342.
Retinal dystrophy. Also called: Inherited retinal dystrophy. Identifiers: Orphanet 71862, MedGen C0854723, MeSH D058499, MONDO:0019118, HP:0000556.

Allele frequency attached by ClinVar (database versions not stated): TOPMed 0.00005; gnomAD 0.00006; ExAC 0.00009; 1000 Genomes Project 0.00020; 1000 Genomes Project 30x 0.00031.
gnomAD v4.1: 59 of 1,614,128 alleles (0.0037%); highest among the groups gnomAD compares: African/African-American, 0.0067%; no homozygotes.

Submissions (4):

PreventionGenetics, part of Exact Sciences
Classification: Uncertain significance for IMPG2-related condition. Last evaluated: 2025-09-04. Review status: criteria provided, single submitter. Criteria: ACMG Guidelines, 2015. Collection method: clinical testing. Allele origin: germline.
Comment: The IMPG2 c.3298G>A variant is predicted to result in the amino acid substitution p.Val1100Met. To our knowledge, this variant has not been reported in the literature. This variant is reported in 0.018% of alleles in individuals of African descent in gnomAD. At this time, the clinical significance of this variant is uncertain due to the absence of conclusive functional and genetic evidence.

Ambry Genetics
Classification: Uncertain significance for Inborn genetic diseases. Last evaluated: 2023-12-26. Review status: criteria provided, single submitter. Criteria: Ambry Variant Classification Scheme 2023. Collection method: clinical testing. Allele origin: germline.

Dept Of Ophthalmology, Nagoya University
Classification: Uncertain significance for Retinal dystrophy. Last evaluated: 2023-10-01. Review status: criteria provided, single submitter. Criteria: Submitter's publication. Collection method: research. Allele origin: germline. Affected: yes.

Labcorp Genetics (formerly Invitae), Labcorp
Classification: Uncertain significance. Last evaluated: 2022-08-10. Review status: criteria provided, single submitter. Criteria: Invitae Variant Classification Sherloc (09022015). Collection method: clinical testing. Allele origin: germline.
Comment: This sequence change replaces valine, which is neutral and non-polar, with methionine, which is neutral and non-polar, at codon 1100 of the IMPG2 protein (p.Val1100Met). This variant is present in population databases (rs201105142, gnomAD 0.02%). This variant has not been reported in the literature in individuals affected with IMPG2-related conditions. ClinVar contains an entry for this variant (Variation ID: 861201). Algorithms developed to predict the effect of missense changes on protein structure and function (SIFT, PolyPhen-2, Align-GVGD) all suggest that this variant is likely to be tolerated. In summary, the available evidence is currently insufficient to determine the role of this variant in disease. Therefore, it has been classified as a Variant of Uncertain Significance.

NM_016247.4(IMPG2):c.3298G>A (p.Val1100Met)

Gene: IMPG2 (interphotoreceptor matrix proteoglycan 2; minus strand). Cytogenetic location: 3q12.3.
Variant type: single nucleotide variant.
Coding change: c.3298G>A on transcript NM_016247.4 (MANE Select); coding-DNA position 3298, G replaced by A.
Protein change: p.Val1100Met; replaces valine 1100 with methionine.
Molecular consequence: missense variant.
Genome position (GRCh38, 1-based): chr3:101,231,081, C>T on the plus strand (G>A on the coding strand, the complement: IMPG2 is on the minus strand). VCF-style: chr3-101231081-C-T. GRCh37 (hg19) VCF-style: chr3-100949925-C-T.
Other names: short protein forms V1100M.
Identifiers: ClinVar variation 861201 (VCV000861201.8), dbSNP rs201105142, ClinGen allele CA2518787.